The following is an entry in ClinVar:

ClinVar aggregate classification (germline): Uncertain significance (1 of 4 stars; one submission).

Conditions:
Progressive sclerosing poliodystrophy (MTDPS4A). Also called: Mitochondrial DNA depletion syndrome 4A (Alpers type); Mitochondrial DNA Depletion Syndrome 4A; Alpers Syndrome; ALPERS DIFFUSE DEGENERATION OF CEREBRAL GRAY MATTER WITH HEPATIC CIRRHOSIS; Alpers-Huttenlocher Syndrome; ALPERS PROGRESSIVE INFANTILE POLIODYSTROPHY. Identifiers: Orphanet 726, MedGen C0205710, MONDO:0008758, OMIM 203700.

Submission:

Labcorp Genetics (formerly Invitae), Labcorp
Classification: Uncertain significance for Progressive sclerosing poliodystrophy. Last evaluated: 2021-08-24. Review status: criteria provided, single submitter. Criteria: Invitae Variant Classification Sherloc (09022015). Collection method: clinical testing. Allele origin: germline.
Comment: This sequence change replaces phenylalanine with leucine at codon 1120 of the POLG protein (p.Phe1120Leu). The phenylalanine residue is moderately conserved and there is a small physicochemical difference between phenylalanine and leucine. This variant is not present in population databases (ExAC no frequency). This variant has not been reported in the literature in individuals affected with POLG-related conditions. Algorithms developed to predict the effect of missense changes on protein structure and function output the following: SIFT: "Tolerated"; PolyPhen-2: "Benign"; Align-GVGD: "Class C0". The leucine amino acid residue is found in multiple mammalian species, which suggests that this missense change does not adversely affect protein function. In summary, the available evidence is currently insufficient to determine the role of this variant in disease. Therefore, it has been classified as a Variant of Uncertain Significance.

NM_002693.3(POLG):c.3360T>G (p.Phe1120Leu)

Gene: POLG (DNA polymerase gamma, catalytic subunit; minus strand). Cytogenetic location: 15q26.1.
Variant type: single nucleotide variant.
Coding change: c.3360T>G on transcript NM_002693.3 (MANE Select); coding-DNA position 3360, T replaced by G.
Protein change: p.Phe1120Leu; replaces phenylalanine 1120 with leucine.
Molecular consequence: missense variant.
Genome position (GRCh38, 1-based): chr15:89,318,663, A>C on the plus strand (T>G on the coding strand, the complement: POLG is on the minus strand). VCF-style: chr15-89318663-A-C. GRCh37 (hg19) VCF-style: chr15-89861894-A-C.
Other names: c.3360T>G, p.Phe1120Leu (NM_001126131.2); short protein forms F1120L.
Identifiers: ClinVar variation 571681 (VCV000571681.6), dbSNP rs573272388, ClinGen allele CA393749899.